The following is an entry in ClinVar:

NM_001127671.2(LIFR):c.1622del (p.Thr541fs)

Gene: LIFR (LIF receptor subunit alpha; minus strand). Cytogenetic location: 5p13.1.
Variant type: Deletion.
Coding change: c.1622del on transcript NM_001127671.2 (MANE Select); coding-DNA position 1622, one base deleted (C; older notation c.1622delC).
Protein change: p.Thr541fs; shifts the reading frame from threonine 541.
Molecular consequence: frameshift variant.
Genome position (GRCh38, 1-based): chr5:38,499,562, G deleted on the plus strand (C on the coding strand, the reverse complement: LIFR is on the minus strand). VCF-style (leftmost placement, unchanged base first): chr5-38499561-AG-A. GRCh37 (hg19) VCF-style: chr5-38499663-AG-A.
Other names: c.1622del, p.Thr541fs (NM_001364297.2, NM_001364298.2, NM_002310.6); short protein forms T541fs.
Identifiers: ClinVar variation 1392758 (VCV001392758.6), dbSNP rs2112443985, ClinGen allele CA2573139614.

ClinVar aggregate classification (germline): Pathogenic (1 of 4 stars; one submission).

Submission:

Labcorp Genetics (formerly Invitae), Labcorp
Classification: Pathogenic. Last evaluated: 2021-09-09. Review status: criteria provided, single submitter. Criteria: Invitae Variant Classification Sherloc (09022015). Collection method: clinical testing. Allele origin: germline.
Comment: This sequence change creates a premature translational stop signal (p.Thr541Ilefs*12) in the LIFR gene. It is expected to result in an absent or disrupted protein product. Loss-of-function variants in LIFR are known to be pathogenic (PMID: 14740318). This variant is not present in population databases (ExAC no frequency). This variant has not been reported in the literature in individuals affected with LIFR-related conditions. For these reasons, this variant has been classified as Pathogenic.

Literature cited by the submitters: PubMed 14740318.